The following is an entry in ClinVar:

NM_004415.4(DSP):c.1350_1351insTTA (p.Pro450_Arg451insLeu)

Gene: DSP (desmoplakin; plus strand). Cytogenetic location: 6p24.3.
Variant type: Insertion.
Coding change: c.1350_1351insTTA on transcript NM_004415.4 (MANE Select); coding-DNA positions 1350 to 1351, TTA inserted.
Protein change: p.Pro450_Arg451insLeu.
Molecular consequence: inframe insertion.
Genome position: GRCh38 VCF-style: chr6-7568520-T-TTTA. GRCh37 (hg19) VCF-style: chr6-7568753-T-TTTA.
Other names: c.1350_1351insTTA, p.Pro450_Arg451insLeu (NM_001008844.3, NM_001319034.2).
Identifiers: ClinVar variation 664556 (VCV000664556.14), dbSNP rs1581802595, ClinGen allele CA915944141.

ClinVar aggregate classification (germline): Uncertain significance. Review status: criteria provided, multiple submitters, no conflicts (2 of 4 stars). 2 submissions from 2 submitters: Uncertain significance (2). Last evaluated 2025-02-17.

Conditions:
Cardiovascular phenotype. Identifiers: MedGen CN230736.
Arrhythmogenic cardiomyopathy with wooly hair and keratoderma. Also called: PALMOPLANTAR KERATODERMA WITH LEFT VENTRICULAR CARDIOMYOPATHY AND WOOLLY HAIR; Arrhythmogenic cardiomyopathy with woolly hair and keratoderma; Dilated cardiomyopathy with woolly hair and keratoderma; Carvajal syndrome. Identifiers: Orphanet 65282, MedGen C1854063, MONDO:0011581, OMIM 605676.
Arrhythmogenic right ventricular dysplasia 8 (ARVD8). Also called: ARRHYTHMOGENIC RIGHT VENTRICULAR DYSPLASIA, FAMILIAL, 8; ARRHYTHMOGENIC RIGHT VENTRICULAR CARDIOMYOPATHY 8; Arrhythmogenic Right Ventricular Dysplasia/Cardiomyopathy 8. Identifiers: MedGen C1843896, MONDO:0011831, OMIM 607450.

Submissions (2):

Molecular Diagnostic Laboratory for Inherited Cardiovascular Disease, Montreal Heart Institute
Classification: Uncertain significance for Cardiovascular phenotype. Last evaluated: 2025-02-17. Review status: criteria provided, single submitter. Criteria: ACMG Guidelines, 2015. Collection method: clinical testing. Allele origin: germline. Affected: yes.

Labcorp Genetics (formerly Invitae), Labcorp
Classification: Uncertain significance for Arrhythmogenic cardiomyopathy with wooly hair and keratoderma; Arrhythmogenic right ventricular dysplasia 8. Last evaluated: 2019-08-21. Review status: criteria provided, single submitter. Criteria: Invitae Variant Classification Sherloc (09022015). Collection method: clinical testing. Allele origin: germline.
Comment: In summary, the available evidence is currently insufficient to determine the role of this variant in disease. Therefore, it has been classified as a Variant of Uncertain Significance. Experimental studies and prediction algorithms are not available for this variant, and the functional significance of the affected amino acid(s) is currently unknown. This variant has not been reported in the literature in individuals with DSP-related disease. This variant is not present in population databases (ExAC no frequency). This variant, c.1350_1351insTTA, results in the insertion of 1 amino acid(s) to the DSP protein (p.Pro450_Arg451insLeu), but otherwise preserves the integrity of the reading frame.